The following is an entry in ClinVar:

NM_004714.3(DYRK1B):c.705C>T (p.Ile235=)

Gene: DYRK1B (dual specificity tyrosine phosphorylation regulated kinase 1B; minus strand). Cytogenetic location: 19q13.2.
Variant type: single nucleotide variant.
Coding change: c.705C>T on transcript NM_004714.3 (MANE Select); coding-DNA position 705, C replaced by T.
Protein change: p.Ile235=; no amino-acid change (isoleucine 235 retained).
Molecular consequence: synonymous variant.
Genome position (GRCh38, 1-based): chr19:39,828,399, G>A on the plus strand (C>T on the coding strand, the complement: DYRK1B is on the minus strand). VCF-style: chr19-39828399-G-A. GRCh37 (hg19) VCF-style: chr19-40319039-G-A.
Other names: c.705C>T, p.Ile235= (NM_006483.3, NM_006484.3).
Identifiers: ClinVar variation 3032955 (VCV003032955.2), dbSNP rs763155290, ClinGen allele CA9434233.

ClinVar aggregate classification (germline): Likely benign (0 of 4 stars; one submission).

Conditions:
DYRK1B-related disorder. Also called: DYRK1B-related condition.

Allele frequency attached by ClinVar (database versions not stated): gnomAD exomes below 0.00001; ExAC 0.00001; TOPMed 0.00002.
gnomAD v4.1: 2 of 1,614,106 alleles (0.00012%); highest among the groups gnomAD compares: African/African-American, 0.0027%; no homozygotes.

Submission:

PreventionGenetics, part of Exact Sciences
Classification: Likely benign for DYRK1B-related condition. Last evaluated: 2023-03-15. Review status: no assertion criteria provided. Collection method: clinical testing. Allele origin: germline.
Comment: This variant is classified as likely benign based on ACMG/AMP sequence variant interpretation guidelines (Richards et al. 2015 PMID: 25741868, with internal and published modifications).